The following is an entry in ClinVar:

NM_001231.5(CASQ1):c.1069G>A (p.Val357Ile)

Gene: CASQ1 (calsequestrin 1; plus strand). Cytogenetic location: 1q23.2.
Variant type: single nucleotide variant.
Coding change: c.1069G>A on transcript NM_001231.5 (MANE Select); coding-DNA position 1069, G replaced by A.
Protein change: p.Val357Ile; replaces valine 357 with isoleucine.
Molecular consequence: missense variant.
Genome position (GRCh38, 1-based): chr1:160,201,254, G>A. VCF-style: chr1-160201254-G-A. GRCh37 (hg19) VCF-style: chr1-160171044-G-A.
Other names: short protein forms V357I.
Identifiers: ClinVar variation 2956445 (VCV002956445.3), dbSNP rs760147718, ClinGen allele CA1196465.
Genomic context (GRCh38, chr1:160,201,254, plus strand): 5'-CTAAGACCCGGGTTGGACTTAGCTTCCGTCCCTGCCTGTGCCATCTCCTAGGCGGATAGC[G>A]TATGGATGGAAATGGACGATGAGGAGGACCTGCCTTCTGCTGAGGAGCTGGAGGACTGGC-3'
Protein context (NP_001222.3, residues 347-367): GVVNVTDADS[Val357Ile]WMEMDDEEDL

ClinVar aggregate classification (germline): Uncertain significance (1 of 4 stars; one submission).

Allele frequency attached by ClinVar (database versions not stated): ExAC 0.00003.

Submission:

Labcorp Genetics (formerly Invitae), Labcorp
Classification: Uncertain significance. Last evaluated: 2026-01-19. Review status: criteria provided, single submitter. Criteria: Invitae Variant Classification Sherloc (09022015). Collection method: clinical testing. Allele origin: germline.
Comment: This sequence change replaces valine, which is neutral and non-polar, with isoleucine, which is neutral and non-polar, at codon 357 of the CASQ1 protein (p.Val357Ile). This variant is present in population databases (rs760147718, gnomAD 0.006%). This variant has not been reported in the literature in individuals affected with CASQ1-related conditions. ClinVar contains an entry for this variant (Variation ID: 2956445). Invitae Evidence Modeling of protein sequence and biophysical properties (such as structural, functional, and spatial information, amino acid conservation, physicochemical variation, residue mobility, and thermodynamic stability) indicates that this missense variant is not expected to disrupt CASQ1 protein function with a negative predictive value of 80%. In summary, the available evidence is currently insufficient to determine the role of this variant in disease. Therefore, it has been classified as a Variant of Uncertain Significance.